The following is an entry in ClinVar:

NM_001113378.2(FANCI):c.490del (p.Leu164fs)

Gene: FANCI (FA complementation group I; plus strand). Cytogenetic location: 15q26.1.
Variant type: Deletion.
Coding change: c.490del on transcript NM_001113378.2 (MANE Select); coding-DNA position 490, one base deleted (C; older notation c.490delC).
Protein change: p.Leu164fs; shifts the reading frame from leucine 164.
Molecular consequence: frameshift variant.
Genome position (GRCh38, 1-based): chr15:89,261,865, C deleted; the last of 3 consecutive C bases (chr15:89,261,863-89,261,865); deleting any one gives the same sequence. VCF-style (leftmost placement, unchanged base first): chr15-89261862-AC-A. GRCh37 (hg19) VCF-style: chr15-89805093-AC-A.
Other names: c.211del, p.Leu71fs (NM_001376910.1); c.490del, p.Leu164fs (NM_001376911.1, NM_018193.3); short protein forms L164fs, L71fs.
Identifiers: ClinVar variation 2675600 (VCV002675600.3), dbSNP rs2052723780, ClinGen allele CA2194583592.

ClinVar aggregate classification (germline): Pathogenic/Likely pathogenic. Review status: criteria provided, multiple submitters, no conflicts (2 of 4 stars). 2 submissions from 2 submitters: Pathogenic (1); Likely pathogenic (1). Last evaluated 2025-03-31.

Conditions:
Fanconi anemia (FA). Also called: Fanconi's anemia. Identifiers: Orphanet 84, MedGen C0015625, MeSH D005199, MONDO:0019391.
Fanconi anemia complementation group I (FANCI). Also called: FANCI-Related Fanconi Anemia. Identifiers: Orphanet 84, MedGen C1836861, MONDO:0012186, OMIM 609053.

Submissions (2):

Labcorp Genetics (formerly Invitae), Labcorp
Classification: Pathogenic for Fanconi anemia. Last evaluated: 2025-03-31. Review status: criteria provided, single submitter. Criteria: Invitae Variant Classification Sherloc (09022015). Collection method: clinical testing. Allele origin: germline.
Comment: This sequence change creates a premature translational stop signal (p.Leu164Cysfs*11) in the FANCI gene. It is expected to result in an absent or disrupted protein product. Loss-of-function variants in FANCI are known to be pathogenic (PMID: 17452773, 17460694). This variant is not present in population databases (gnomAD no frequency). This variant has not been reported in the literature in individuals affected with FANCI-related conditions. ClinVar contains an entry for this variant (Variation ID: 2675600). For these reasons, this variant has been classified as Pathogenic.

Baylor Genetics
Classification: Likely pathogenic for Fanconi anemia complementation group I. Last evaluated: 2023-10-02. Review status: criteria provided, single submitter. Criteria: ACMG Guidelines, 2015. Collection method: clinical testing. Allele origin: unknown.

Literature cited by the submitters: PubMed 17452773 (cited by Labcorp Genetics (formerly Invitae), Labcorp); PubMed 17460694 (cited by Labcorp Genetics (formerly Invitae), Labcorp).